The following is an entry in ClinVar:

NM_007374.3(SIX6):c.608G>A (p.Arg203Gln)

Genes: C14orf39 (chromosome 14 open reading frame 39; minus strand), SIX6 (SIX homeobox 6; plus strand). Cytogenetic location: 14q23.1.
Variant type: single nucleotide variant.
Coding change: c.608G>A on transcript NM_007374.3 (MANE Select); coding-DNA position 608, G replaced by A.
Protein change: p.Arg203Gln; replaces arginine 203 with glutamine.
Molecular consequence: missense variant.
Genome position (GRCh38, 1-based): chr14:60,511,119, G>A. VCF-style: chr14-60511119-G-A. GRCh37 (hg19) VCF-style: chr14-60977837-G-A.
Other names: short protein forms R203Q.
Identifiers: ClinVar variation 1962049 (VCV001962049.2), dbSNP rs201991012, ClinGen allele CA7212637.

ClinVar aggregate classification (germline): Uncertain significance (1 of 4 stars; one submission).

Allele frequency attached by ClinVar (database versions not stated): ExAC 0.00005; gnomAD 0.00009; TOPMed 0.00011; gnomAD exomes 0.00020; ESP Exome Variant Server 0.00031.
gnomAD v4.1: 296 of 1,612,734 alleles (0.018%); highest among the groups gnomAD compares: Non-Finnish European, 0.024%; no homozygotes.

Submission:

Labcorp Genetics (formerly Invitae), Labcorp
Classification: Uncertain significance. Last evaluated: 2022-09-06. Review status: criteria provided, single submitter. Criteria: Invitae Variant Classification Sherloc (09022015). Collection method: clinical testing. Allele origin: germline.
Comment: This sequence change replaces arginine, which is basic and polar, with glutamine, which is neutral and polar, at codon 203 of the SIX6 protein (p.Arg203Gln). The frequency data for this variant in the population databases is considered unreliable, as metrics indicate poor data quality at this position in the gnomAD database. This variant has not been reported in the literature in individuals affected with SIX6-related conditions. Algorithms developed to predict the effect of missense changes on protein structure and function (SIFT, PolyPhen-2, Align-GVGD) all suggest that this variant is likely to be tolerated. Algorithms developed to predict the effect of sequence changes on RNA splicing suggest that this variant may create or strengthen a splice site. In summary, the available evidence is currently insufficient to determine the role of this variant in disease. Therefore, it has been classified as a Variant of Uncertain Significance.